The following is an entry in ClinVar:

ClinVar aggregate classification (germline): Benign. Review status: criteria provided, multiple submitters, no conflicts (2 of 4 stars). 3 submissions from 3 submitters: Benign (3). Last evaluated 2024-07-15.

Allele frequency attached by ClinVar (database versions not stated): ESP Exome Variant Server 0.38962; gnomAD 0.40799 and 0.41756; TOPMed 0.41560; 1000 Genomes Project 30x 0.45862; 1000 Genomes Project 0.46625; gnomAD exomes 0.48731.
gnomAD v4.1: 754,493 of 1,570,608 alleles (48%); highest among the groups gnomAD compares: East Asian, 65%; 186,219 homozygotes.

Submissions (3):

Unidad de Genómica Garrahan, Hospital de Pediatría Garrahan
Classification: Benign. Last evaluated: 2024-07-15. Review status: criteria provided, single submitter. Criteria: ACMG Guidelines, 2015. Collection method: clinical testing. Allele origin: germline. Affected: no. Observed: 73 variant alleles.
Comment: This variant is classified as Benign based on local population frequency. This variant was detected in 78% of patients studied in a panel designed for Epileptic and Developmental Encephalopathy and Progressive Myoclonus Epilepsy. Number of patients: 73. Only high quality variants are reported.

GeneDx
Classification: Benign. Last evaluated: 2018-06-26. Review status: criteria provided, single submitter. Criteria: GeneDx Variant Classification Process June 2021. Collection method: clinical testing. Allele origin: germline. Affected: yes.

Breakthrough Genomics
Classification: Benign. Review status: criteria provided, single submitter. Criteria: ACMG Guidelines, 2015. Collection method: not provided. Allele origin: germline. Inheritance: Autosomal recessive inheritance. Affected: yes.

NM_016373.4(WWOX):c.173-68C>T

Gene: WWOX (WW domain containing oxidoreductase; plus strand). Cytogenetic location: 16q23.1.
Variant type: single nucleotide variant.
Coding change: c.173-68C>T on transcript NM_016373.4 (MANE Select); 68 bases into the intron before coding-DNA position 173, C replaced by T.
Molecular consequence: intron variant.
Genome position (GRCh38, 1-based): chr16:78,109,710, C>T. VCF-style: chr16-78109710-C-T. GRCh37 (hg19) VCF-style: chr16-78143607-C-T.
Other names: c.-167-68C>T (NM_001291997.2); c.173-68C>T (NM_130791.5).
Identifiers: ClinVar variation 1295626 (VCV001295626.5), dbSNP rs2287972, ClinGen allele CA14286910.
Genomic context (GRCh38, chr16:78,109,710, plus strand): 5'-GATGTGACAACTGCTGGGTGGGAGGGACAGGCTTGGGGGCGGGGCTGGGAGGGCTCCTTC[C>T]CTTCCTGACCCAGGGATGGTCTTTACTTCTCCCTGGCACCTGTAGACCTGTCTTTCTTGT-3'